The following is an entry in ClinVar:

ClinVar aggregate classification (germline): Pathogenic/Likely pathogenic. Review status: criteria provided, multiple submitters, no conflicts (2 of 4 stars). 3 submissions from 3 submitters: Pathogenic (1); Likely pathogenic (2). Last evaluated 2025-05-18.

Conditions:
Joubert syndrome 23 (JBTS23). Identifiers: Orphanet 475, MedGen C4084822, MONDO:0014664, OMIM 616490.
Short-rib thoracic dysplasia 14 with polydactyly (SRTD14). Identifiers: Orphanet 397715, MedGen C4225286, MONDO:0014688, OMIM 616546.
Joubert syndrome. Also called: CEREBELLOPARENCHYMAL DISORDER IV; JOUBERT-BOLTSHAUSER SYNDROME; Familial aplasia of the vermis. Identifiers: Orphanet 475, MedGen C5979921, MONDO:0018772.

Allele frequency attached by ClinVar (database versions not stated): gnomAD exomes below 0.00001; gnomAD 0.00001.

Submissions (3):

Labcorp Genetics (formerly Invitae), Labcorp
Classification: Pathogenic for Joubert syndrome 23; Short-rib thoracic dysplasia 14 with polydactyly. Last evaluated: 2025-05-18. Review status: criteria provided, single submitter. Criteria: Invitae Variant Classification Sherloc (09022015). Collection method: clinical testing. Allele origin: germline.
Comment: This sequence change creates a premature translational stop signal (p.Ile1005Serfs*14) in the KIAA0586 gene. It is expected to result in an absent or disrupted protein product. Loss-of-function variants in KIAA0586 are known to be pathogenic (PMID: 26096313, 26166481, 26386044). This variant is not present in population databases (gnomAD no frequency). This variant has not been reported in the literature in individuals affected with KIAA0586-related conditions. ClinVar contains an entry for this variant (Variation ID: 3075970). Algorithms developed to predict the effect of sequence changes on RNA splicing suggest that this variant may disrupt the consensus splice site. For these reasons, this variant has been classified as Pathogenic.

Greenwood Genetic Center Diagnostic Laboratories, Greenwood Genetic Center
Classification: Likely pathogenic for Joubert syndrome 23. Last evaluated: 2024-05-08. Review status: criteria provided, single submitter. Criteria: ACMG Guidelines, 2015. Collection method: clinical testing. Allele origin: germline. Affected: yes.
Comment: PVS1, PM2

Laboratory for Molecular Medicine, Mass General Brigham Personalized Medicine
Classification: Likely pathogenic for Joubert syndrome. Last evaluated: 2023-11-22. Review status: criteria provided, single submitter. Criteria: ACMG Guidelines, 2015. Collection method: clinical testing. Allele origin: germline. Inheritance: Autosomal recessive inheritance.
Comment: The p.Ile1005SerfsX14 variant in KIAA0586 has not been previously reported in individuals with KIAA0586-associated disorders but has been identified in 0.002% (1/41454) of African chromosomes by gnomAD (v.3.1.2). This variant is predicted to cause a frameshift, which alters the protein’s amino acid sequence beginning at position 1005 and leads to a premature termination codon 14 amino acids downstream. This alteration is then predicted to lead to a truncated or absent protein. Bilallelic loss of function of the KIAA0586 gene is an established disease mechanism in autosomal recessive KIAA0586-related disorders, including ciliopathies such as Joubert syndrome. In summary, although additional studies are required to fully establish its clinical significance, this variant meets criteria to be classified as likely pathogenic for autosomal recessive KIAA0586-related disorders. ACMG/AMP Criteria applied: PVS1, PM2_Supporting.

Literature cited by the submitters: PubMed 26096313 (cited by Labcorp Genetics (formerly Invitae), Labcorp); PubMed 26166481 (cited by Labcorp Genetics (formerly Invitae), Labcorp); PubMed 26386044 (cited by Labcorp Genetics (formerly Invitae), Labcorp).

NM_001329943.3(KIAA0586):c.2854_2855insG (p.Ile952fs)

Gene: KIAA0586 (KIAA0586; plus strand). Cytogenetic location: 14q23.1.
Variant type: Insertion.
Coding change: c.2854_2855insG on transcript NM_001329943.3 (MANE Select); coding-DNA positions 2854 to 2855, G inserted.
Protein change: p.Ile952fs; shifts the reading frame from isoleucine 952.
Molecular consequence: frameshift variant.
Genome position: GRCh38 VCF-style: chr14-58477151-A-AG. GRCh37 (hg19) VCF-style: chr14-58943869-A-AG.
Other names: c.3013_3014insG, p.Ile1005fs (NM_001244189.2); c.2809_2810insG, p.Ile937fs (NM_001244190.2); c.2599_2600insG, p.Ile867fs (NM_001244191.2, NM_001329945.2, NM_001364700.1 and 1 more transcripts); c.2722_2723insG, p.Ile908fs (NM_001244192.2); c.2434_2435insG, p.Ile812fs (NM_001244193.2); c.2854_2855insG, p.Ile952fs (NM_001329944.2, NM_001329946.2, NM_001329947.2); c.2626_2627insG, p.Ile876fs (NM_014749.5); short protein forms I1005fs, I812fs, I867fs, I876fs, I908fs, I937fs, I952fs.
Identifiers: ClinVar variation 3075970 (VCV003075970.3), dbSNP rs1174594143, ClinGen allele CA707234259.